The following is an entry in ClinVar:

ClinVar aggregate classification (germline): Benign/Likely benign. Review status: criteria provided, multiple submitters, no conflicts (2 of 4 stars). 5 submissions from 5 submitters: Benign (3); Likely benign (1). 1 of the submissions does not count toward it. Last evaluated 2025-02-16.

Conditions:
Neurodevelopmental disorder with coarse facies and mild distal skeletal abnormalities. Also called: STOLERMAN NEURODEVELOPMENTAL SYNDROME. Identifiers: MedGen C5193134, MONDO:0032790, OMIM 618505.
Oromandibular-limb hypogenesis spectrum (MBS). Also called: MOEBIUS SEQUENCE; Absence or underdevelopment of the 6th and 7th cranial nerves; Congenital facial diplegia syndrome; Congenital oculofacial paralysis; Möbius Syndrome. Identifiers: Orphanet 570, MedGen C0221060, MONDO:0008006, OMIM 157900.

Submissions (5):

Laboratory of Genetics, Children's Clinical University Hospital Latvia
Classification: Benign. Last evaluated: 2025-02-16. Review status: criteria provided, single submitter. Criteria: ACMG Guidelines, 2015. Collection method: clinical testing. Allele origin: germline. Affected: yes.

Molecular Genetics, Royal Melbourne Hospital
Classification: Benign for Neurodevelopmental disorder with coarse facies and mild distal skeletal abnormalities. Last evaluated: 2023-05-04. Review status: criteria provided, single submitter. Criteria: ACMG Guidelines, 2015. Collection method: clinical testing. Allele origin: germline. Affected: yes.
Comment: European Non-Finnish population allele frequency is 77.92% (rs779500270, 8811/11110 alleles, 3564 homozygotes in gnomAD v2.1). Based on the classification scheme RMH Modified ACMG/AMP Guidelines v1.4.0, this variant is classified as BENIGN. Following criteria are met: BA1

Fulgent Genetics
Classification: Likely benign for Neurodevelopmental disorder with coarse facies and mild distal skeletal abnormalities. Last evaluated: 2022-01-18. Review status: criteria provided, single submitter. Criteria: ACMG Guidelines, 2015. Collection method: clinical testing. Allele origin: unknown.

GeneDx
Classification: Benign. Last evaluated: 2021-02-17. Review status: criteria provided, single submitter. Criteria: GeneDx Variant Classification Process June 2021. Collection method: clinical testing. Allele origin: germline. Affected: yes.
Comment: This variant is associated with the following publications: (PMID: 33337535)

CHU Sainte-Justine Research Center, University of Montreal
Classification: Uncertain significance for Oromandibular-limb hypogenesis spectrum. Last evaluated: 2016-08-12. Review status: no assertion criteria provided. Collection method: research. Allele origin: de novo. Affected: yes. Not counted in ClinVar's aggregate classification.

NM_001348716.2(KDM6B):c.753ACC[15] (p.Pro263_Pro264dup)

Gene: KDM6B (lysine demethylase 6B; plus strand). Cytogenetic location: 17p13.1.
Variant type: Microsatellite.
Coding change: c.753ACC[15] on transcript NM_001348716.2 (MANE Select); 15 copies in a row of the 3-base unit ACC starting at c.753; the reference has 13 copies in a row; two copies, 6 bases duplicated.
Protein change: p.Pro263_Pro264dup.
Molecular consequence: inframe insertion.
Genome position (GRCh38, 1-based): chr17:7,846,893-7,846,898, ACCACC duplicated; duplicating any 6 consecutive bases within chr17:7,846,860-7,846,898 gives the same sequence; the position shown is the placement nearest the transcript's 3' end. VCF-style (leftmost placement, unchanged base first): chr17-7846859-T-TACCACC. GRCh37 (hg19) VCF-style: chr17-7750177-T-TACCACC.
Other names: c.753ACC[15], p.Pro263_Pro264dup (NM_001080424.2); c.786_791dup (NM_001080424.2); c.786_791dupACCACC (NM_001348716.2).
Identifiers: ClinVar variation 254122 (VCV000254122.5), dbSNP rs61462443, ClinGen allele CA8360352.
Genomic context (GRCh38, chr17:7,846,859, plus strand): 5'-CACACTCTCTTCTCTCCTAGACTGGCCTTCCCCCAGGGCTGCCACTGCCTCCACCACCAT[T>TACCACC]ACCACCACCACCACCACCACCACCACCACCACCACCACCCCTGCCTGGCCTGGCTACCAG-3'